The following is an entry in ClinVar:

ClinVar aggregate classification (germline): Benign/Likely benign. Review status: criteria provided, multiple submitters, no conflicts (2 of 4 stars). 9 submissions from 8 submitters: Benign (7); Likely benign (2). Last evaluated 2026-02-04.

Conditions:
Autosomal recessive nonsyndromic hearing loss 31. Also called: WHIRLER, MOUSE, HOMOLOG OF. Identifiers: Orphanet 90636, MedGen C1846839, MONDO:0011767, OMIM 607084.
Usher syndrome type 2D. Also called: USHER SYNDROME, TYPE IID. Identifiers: Orphanet 231178, Orphanet 886, MedGen C1568249, MONDO:0012662, OMIM 611383.

Allele frequency attached by ClinVar (database versions not stated): 1000 Genomes Project 30x 0.01733; 1000 Genomes Project 0.01837; TOPMed 0.03044; gnomAD exomes 0.03062 and 0.04536; gnomAD 0.03063 and 0.03118; ExAC 0.03112; ESP Exome Variant Server 0.03406.
gnomAD v4.1: 70,635 of 1,614,046 alleles (4.4%); highest among the groups gnomAD compares: Non-Finnish European, 5.3%; 1,705 homozygotes.

Submissions (9):

Labcorp Genetics (formerly Invitae), Labcorp
Classification: Benign. Last evaluated: 2026-02-04. Review status: criteria provided, single submitter. Criteria: Invitae Variant Classification Sherloc (09022015). Collection method: clinical testing. Allele origin: germline.

Mayo Clinic Laboratories, Mayo Clinic
Classification: Benign. Last evaluated: 2021-04-15. Review status: criteria provided, single submitter. Criteria: ACMG Guidelines, 2015. Collection method: clinical testing. Allele origin: germline. Observed: 12 variant alleles.

Athena Diagnostics
Classification: Benign. Last evaluated: 2019-02-12. Review status: criteria provided, single submitter. Criteria: Athena Diagnostics Criteria. Collection method: clinical testing. Allele origin: germline.

Illumina Laboratory Services, Illumina
Classification: Likely benign for Autosomal recessive nonsyndromic hearing loss 31. Last evaluated: 2018-01-13. Review status: criteria provided, single submitter. Criteria: ICSL Variant Classification Criteria 13 December 2019. Collection method: clinical testing. Allele origin: germline.
Comment: This variant was observed in the ICSL laboratory as part of a predisposition screen in an ostensibly healthy population. It had not been previously curated by ICSL or reported in the Human Gene Mutation Database (HGMD: prior to June 1st, 2018), and was therefore a candidate for classification through an automated scoring system. Utilizing variant allele frequency, disease prevalence and penetrance estimates, and inheritance mode, an automated score was calculated to assess if this variant is too frequent to cause the disease. Based on the score and internal cut-off values, a variant classified as likely benign is not then subjected to further curation. The score for this variant resulted in a classification of likely benign for this disease.

Illumina Laboratory Services, Illumina
Classification: Benign for Usher syndrome type 2D. Last evaluated: 2018-01-13. Review status: criteria provided, single submitter. Criteria: ICSL Variant Classification Criteria 13 December 2019. Collection method: clinical testing. Allele origin: germline.
Comment: This variant was observed in the ICSL laboratory as part of a predisposition screen in an ostensibly healthy population. It had not been previously curated by ICSL or reported in the Human Gene Mutation Database (HGMD: prior to June 1st, 2018), and was therefore a candidate for classification through an automated scoring system. Utilizing variant allele frequency, disease prevalence and penetrance estimates, and inheritance mode, an automated score was calculated to assess if this variant is too frequent to cause the disease. Based on the score and internal cut-off values, a variant classified as benign is not then subjected to further curation. The score for this variant resulted in a classification of benign for this disease.

GeneDx
Classification: Benign. Last evaluated: 2013-02-25. Review status: criteria provided, single submitter. Criteria: GeneDx Variant Classification (06012015). Collection method: clinical testing. Allele origin: germline. Affected: yes.
Comment: This variant is considered likely benign or benign based on one or more of the following criteria: it is a conservative change, it occurs at a poorly conserved position in the protein, it is predicted to be benign by multiple in silico algorithms, and/or has population frequency not consistent with disease.

Laboratory for Molecular Medicine, Mass General Brigham Personalized Medicine
Classification: Benign. Last evaluated: 2009-06-12. Review status: criteria provided, single submitter. Criteria: LMM Criteria. Collection method: clinical testing. Allele origin: germline. Observed: 134 variant alleles.

Breakthrough Genomics
Classification: Likely benign. Review status: criteria provided, single submitter. Criteria: ACMG Guidelines, 2015. Collection method: not provided. Allele origin: germline. Inheritance: Autosomal recessive inheritance. Affected: yes.

PreventionGenetics, part of Exact Sciences
Classification: Benign. Review status: criteria provided, single submitter. Criteria: ACMG Guidelines, 2015. Collection method: clinical testing. Allele origin: germline.

NM_015404.4(WHRN):c.1515G>A (p.Ala505=)

Gene: WHRN (whirlin; minus strand). Cytogenetic location: 9q32.
Variant type: single nucleotide variant.
Coding change: c.1515G>A on transcript NM_015404.4 (MANE Select); coding-DNA position 1515, G replaced by A.
Protein change: p.Ala505=; no amino-acid change (alanine 505 retained).
Molecular consequence: synonymous variant.
Genome position (GRCh38, 1-based): chr9:114,423,425, C>T on the plus strand (G>A on the coding strand, the complement: WHRN is on the minus strand). VCF-style: chr9-114423425-C-T. GRCh37 (hg19) VCF-style: chr9-117185705-C-T.
Other names: p.A505A:GCG>GCA; p.Ala505=; c.366G>A, p.Ala122= (NM_001083885.3); c.1515G>A, p.Ala505= (NM_001173425.2); c.462G>A, p.Ala154= (NM_001346890.1).
Identifiers: ClinVar variation 45655 (VCV000045655.21), dbSNP rs34252199, ClinGen allele CA136883.